The following is an entry in ClinVar:

NM_130384.3(ATRIP):c.1528A>G (p.Asn510Asp)

Genes: ATRIP (ATR interacting protein; plus strand), ATRIP-TREX1 (ATRIP-TREX1 readthrough; plus strand). Cytogenetic location: 3p21.31.
Variant type: single nucleotide variant.
Coding change: c.1528A>G on transcript NM_130384.3 (MANE Select); coding-DNA position 1528, A replaced by G.
Protein change: p.Asn510Asp; replaces asparagine 510 with aspartic acid.
Molecular consequence: missense variant. On other transcripts: non-coding transcript variant (1).
Genome position (GRCh38, 1-based): chr3:48,460,582, A>G. VCF-style: chr3-48460582-A-G. GRCh37 (hg19) VCF-style: chr3-48501981-A-G.
Other names: c.1147A>G, p.Asn383Asp (NM_001271022.2); c.1249A>G, p.Asn417Asp (NM_001271023.2); c.1528A>G, p.Asn510Asp (NM_032166.4); short protein forms N417D, N510D, N383D.
Identifiers: ClinVar variation 3975752 (VCV003975752.1).

ClinVar aggregate classification (germline): Uncertain significance (1 of 4 stars; one submission).

gnomAD v4.1: 1 of 1,614,000 alleles (0.000062%); no homozygotes.

Submission:

Ambry Genetics
Classification: Uncertain significance. Last evaluated: 2025-03-26. Review status: criteria provided, single submitter. Criteria: Ambry Variant Classification Scheme 2023. Collection method: clinical testing. Allele origin: germline.
Comment: The p.N510D variant (also known as c.1528A>G), located in coding exon 8 of the ATRIP gene, results from an A to G substitution at nucleotide position 1528. The asparagine at codon 510 is replaced by aspartic acid, an amino acid with highly similar properties. This amino acid position is conserved. In addition, this alteration is predicted to be tolerated by in silico analysis. Based on the available evidence, the clinical significance of this variant remains unclear.